The following is an entry in ClinVar:

NM_004733.4(SLC33A1):c.935C>T (p.Thr312Ile)

Gene: SLC33A1 (solute carrier family 33 member 1; minus strand). Cytogenetic location: 3q25.31.
Variant type: single nucleotide variant.
Coding change: c.935C>T on transcript NM_004733.4 (MANE Select); coding-DNA position 935, C replaced by T.
Protein change: p.Thr312Ile; replaces threonine 312 with isoleucine.
Molecular consequence: missense variant. On other transcripts: intron variant (1).
Genome position (GRCh38, 1-based): chr3:155,842,460, G>A on the plus strand (C>T on the coding strand, the complement: SLC33A1 is on the minus strand). VCF-style: chr3-155842460-G-A. GRCh37 (hg19) VCF-style: chr3-155560249-G-A.
Other names: c.935C>T, p.Thr312Ile (NM_001190992.2); c.776-8419C>T (NM_001363883.1); short protein forms T312I.
Identifiers: ClinVar variation 4686967 (VCV004686967.1).

ClinVar aggregate classification (germline): Uncertain significance (1 of 4 stars; one submission).

Submission:

GeneDx
Classification: Uncertain significance. Last evaluated: 2025-07-22. Review status: criteria provided, single submitter. Criteria: GeneDx Variant Classification Process June 2021. Collection method: clinical testing. Allele origin: germline. Affected: yes.
Comment: Not observed at significant frequency in large population cohorts (gnomAD); In silico analysis suggests that this missense variant does not alter protein structure/function; Has not been previously published as pathogenic or benign to our knowledge